The following is an entry in ClinVar:

ClinVar aggregate classification (germline): Pathogenic (1 of 4 stars; one submission).

Conditions:
Hyperornithinemia-hyperammonemia-homocitrullinuria syndrome (HHHS). Also called: Ornithine translocase deficiency; HHH SYNDROME. Identifiers: Orphanet 415, MedGen C0268540, MONDO:0009393, OMIM 238970.

Submission:

Labcorp Genetics (formerly Invitae), Labcorp
Classification: Pathogenic for Hyperornithinemia-hyperammonemia-homocitrullinuria syndrome. Last evaluated: 2024-03-13. Review status: criteria provided, single submitter. Criteria: Invitae Variant Classification Sherloc (09022015). Collection method: clinical testing. Allele origin: germline.
Comment: This sequence change creates a premature translational stop signal (p.Met33*) in the SLC25A15 gene. It is expected to result in an absent or disrupted protein product. Loss-of-function variants in SLC25A15 are known to be pathogenic (PMID: 11552031, 19242930). This variant is not present in population databases (gnomAD no frequency). This variant has not been reported in the literature in individuals affected with SLC25A15-related conditions. ClinVar contains an entry for this variant (Variation ID: 1978187). For these reasons, this variant has been classified as Pathogenic.

Literature cited by the submitters: PubMed 11552031; PubMed 19242930.

NM_014252.4(SLC25A15):c.97del (p.Thr32_Met33insTer)

Gene: SLC25A15 (solute carrier family 25 member 15; plus strand). Cytogenetic location: 13q14.11.
Variant type: Deletion.
Coding change: c.97del on transcript NM_014252.4 (MANE Select); coding-DNA position 97, one base deleted (A; older notation c.97delA).
Protein change: p.Thr32_Met33insTer.
Molecular consequence: nonsense. On other transcripts: non-coding transcript variant (2).
Genome position (GRCh38, 1-based): chr13:40,799,098, A deleted; the last of 2 consecutive A bases (chr13:40,799,097-40,799,098); deleting either gives the same sequence. VCF-style (leftmost placement, unchanged base first): chr13-40799096-CA-C. GRCh37 (hg19) VCF-style: chr13-41373232-CA-C.
Identifiers: ClinVar variation 1978187 (VCV001978187.5), dbSNP rs2546917561, ClinGen allele CA2580087520.